The following is an entry in ClinVar:

ClinVar aggregate classification (germline): Uncertain significance (1 of 4 stars; one submission).

Allele frequency attached by ClinVar (database versions not stated): gnomAD exomes below 0.00001; TOPMed below 0.00001.
gnomAD v4.1: 4 of 1,613,196 alleles (0.00025%); highest among the groups gnomAD compares: Non-Finnish European, 0.00025%; no homozygotes.

Submission:

Labcorp Genetics (formerly Invitae), Labcorp
Classification: Uncertain significance. Last evaluated: 2022-08-13. Review status: criteria provided, single submitter. Criteria: Invitae Variant Classification Sherloc (09022015). Collection method: clinical testing. Allele origin: germline.
Comment: In summary, the available evidence is currently insufficient to determine the role of this variant in disease. Therefore, it has been classified as a Variant of Uncertain Significance. This variant has not been reported in the literature in individuals affected with SRP72-related conditions. This variant is not present in population databases (gnomAD no frequency). This sequence change creates a premature translational stop signal (p.Gln231*) in the SRP72 gene. It is expected to result in an absent or disrupted protein product. However, the current clinical and genetic evidence is not sufficient to establish whether loss-of-function variants in SRP72 cause disease.

NM_006947.4(SRP72):c.691C>T (p.Gln231Ter)

Gene: SRP72 (signal recognition particle 72; plus strand). Cytogenetic location: 4q12.
Variant type: single nucleotide variant.
Coding change: c.691C>T on transcript NM_006947.4 (MANE Select); coding-DNA position 691, C replaced by T.
Protein change: p.Gln231Ter; replaces glutamine 231 with a stop codon.
Molecular consequence: nonsense. On other transcripts: non-coding transcript variant (1), intron variant (1).
Genome position (GRCh38, 1-based): chr4:56,478,427, C>T. VCF-style: chr4-56478427-C-T. GRCh37 (hg19) VCF-style: chr4-57344593-C-T.
Other names: c.642+1725C>T (NM_001267722.2); short protein forms Q231*.
Identifiers: ClinVar variation 2038300 (VCV002038300.4), dbSNP rs1228385231, ClinGen allele CA356997851.